The following is an entry in ClinVar:

NM_002474.3(MYH11):c.4613A>T (p.Glu1538Val)

Genes: NDE1 (nudE neurodevelopment protein 1; plus strand), MYH11 (myosin heavy chain 11; minus strand). Cytogenetic location: 16p13.11.
Variant type: single nucleotide variant.
Coding change: c.4613A>T on transcript NM_002474.3 (MANE Select); coding-DNA position 4613, A replaced by T.
Protein change: p.Glu1538Val; replaces glutamic acid 1538 with valine.
Molecular consequence: missense variant. On other transcripts: intron variant (2).
Genome position (GRCh38, 1-based): chr16:15,721,017, T>A on the plus strand (A>T on the coding strand, the complement: MYH11 is on the minus strand). VCF-style: chr16-15721017-T-A. GRCh37 (hg19) VCF-style: chr16-15814874-T-A.
Other names: c.4634A>T, p.Glu1545Val (NM_001040113.2, NM_001040114.2); c.4613A>T, p.Glu1538Val (NM_022844.3); c.948-3174T>A (NM_001143979.2, NM_017668.3); short protein forms E1538V, E1545V.
Identifiers: ClinVar variation 1002305 (VCV001002305.6), dbSNP rs1343964791, ClinGen allele CA394854557.

ClinVar aggregate classification (germline): Uncertain significance (1 of 4 stars; one submission).

Conditions:
Aortic aneurysm, familial thoracic 4 (AAT4). Also called: AORTIC ANEURYSM/AORTIC DISSECTION AND PATENT DUCTUS ARTERIOSUS. Identifiers: MedGen C1851504, MONDO:0007568, OMIM 132900.

Allele frequency attached by ClinVar (database versions not stated): gnomAD exomes below 0.00001; TOPMed below 0.00001; gnomAD 0.00001.
gnomAD v4.1: 8 of 1,613,934 alleles (0.0005%); highest among the groups gnomAD compares: African/African-American, 0.0013%; no homozygotes.

Submission:

Labcorp Genetics (formerly Invitae), Labcorp
Classification: Uncertain significance for Aortic aneurysm, familial thoracic 4. Last evaluated: 2021-08-30. Review status: criteria provided, single submitter. Criteria: Invitae Variant Classification Sherloc (09022015). Collection method: clinical testing. Allele origin: germline.
Comment: This sequence change replaces glutamic acid with valine at codon 1545 of the MYH11 protein (p.Glu1545Val). The glutamic acid residue is highly conserved and there is a moderate physicochemical difference between glutamic acid and valine. This variant is not present in population databases (ExAC no frequency). This variant has not been reported in the literature in individuals affected with MYH11-related conditions. Algorithms developed to predict the effect of missense changes on protein structure and function are either unavailable or do not agree on the potential impact of this missense change (SIFT: "Deleterious"; PolyPhen-2: "Probably Damaging"; Align-GVGD: "Class C0"). Algorithms developed to predict the effect of sequence changes on RNA splicing suggest that this variant may create or strengthen a splice site. In summary, the available evidence is currently insufficient to determine the role of this variant in disease. Therefore, it has been classified as a Variant of Uncertain Significance.